The following is an entry in ClinVar:

ClinVar aggregate classification (germline): Uncertain significance (1 of 4 stars; one submission).

Conditions:
DYRK1B-related disorder. Also called: DYRK1B-related condition.

Allele frequency attached by ClinVar (database versions not stated): ExAC 0.00002; ESP Exome Variant Server 0.00008; gnomAD 0.00011.
gnomAD v4.1: 257 of 1,579,532 alleles (0.016%); highest among the groups gnomAD compares: Non-Finnish European, 0.021%; no homozygotes.

Submission:

PreventionGenetics, part of Exact Sciences
Classification: Uncertain significance for DYRK1B-related condition. Last evaluated: 2026-07-29. Review status: criteria provided, single submitter. Criteria: ACMG Guidelines, 2015. Collection method: clinical testing. Allele origin: germline.
Comment: The DYRK1B c.1484C>T variant is predicted to result in the amino acid substitution p.Pro495Leu. This variant has been reported in an individual with obesity (Köroğlu et al. 2024. PubMed ID: 39192769). It has also been identified in a study of individuals with dyslipidemia and metabolic disorders but phenotypic information was not provided (Table S3, Dron et al. 2020. PubMed ID: 32041611). This variant is reported in 0.011% of alleles in individuals of European (Non-Finnish) descent in gnomAD. At this time, the clinical significance of this variant is uncertain due to the absence of conclusive functional and genetic evidence.

NM_004714.3(DYRK1B):c.1484C>T (p.Pro495Leu)

Gene: DYRK1B (dual specificity tyrosine phosphorylation regulated kinase 1B; minus strand). Cytogenetic location: 19q13.2.
Variant type: single nucleotide variant.
Coding change: c.1484C>T on transcript NM_004714.3 (MANE Select); coding-DNA position 1484, C replaced by T.
Protein change: p.Pro495Leu; replaces proline 495 with leucine.
Molecular consequence: missense variant.
Genome position (GRCh38, 1-based): chr19:39,826,214, G>A on the plus strand (C>T on the coding strand, the complement: DYRK1B is on the minus strand). VCF-style: chr19-39826214-G-A. GRCh37 (hg19) VCF-style: chr19-40316854-G-A.
Other names: c.1364C>T, p.Pro455Leu (NM_006483.3); c.1400C>T, p.Pro467Leu (NM_006484.3); short protein forms P455L, P467L, P495L.
Identifiers: ClinVar variation 2634171 (VCV002634171.4), dbSNP rs370142622, ClinGen allele CA9434016.